The following is an entry in ClinVar:

NM_001382.4(DPAGT1):c.667T>G (p.Phe223Val)

Gene: DPAGT1 (dolichyl-phosphate N-acetylglucosaminephosphotransferase 1; minus strand). Cytogenetic location: 11q23.3.
Variant type: single nucleotide variant.
Coding change: c.667T>G on transcript NM_001382.4 (MANE Select); coding-DNA position 667, T replaced by G.
Protein change: p.Phe223Val; replaces phenylalanine 223 with valine.
Molecular consequence: missense variant.
Genome position (GRCh38, 1-based): chr11:119,098,464, A>C on the plus strand (T>G on the coding strand, the complement: DPAGT1 is on the minus strand). VCF-style: chr11-119098464-A-C. GRCh37 (hg19) VCF-style: chr11-118969174-A-C.
Other names: c.667T>G (NM_001382.3); short protein forms F223V.
Identifiers: ClinVar variation 3358927 (VCV003358927.2).

ClinVar aggregate classification (germline): Uncertain significance. Review status: criteria provided, single submitter (1 of 4 stars). 2 submissions from 2 submitters: Uncertain significance (1). 1 of the submissions does not count toward it. Last evaluated 2026-03-06.

Conditions:
DPAGT1-congenital disorder of glycosylation. Also called: DPAGT1-CDG; CONGENITAL DISORDER OF GLYCOSYLATION, TYPE Ij; CDG Ij. Identifiers: Orphanet 86309, MedGen C2931004, MONDO:0011964, OMIM 608093.

Submissions (2):

GeneDx
Classification: Uncertain significance. Last evaluated: 2026-03-06. Review status: criteria provided, single submitter. Criteria: GeneDx Variant Classification Process June 2021. Collection method: clinical testing. Allele origin: germline.
Comment: Not observed at significant frequency in large population cohorts (gnomAD); In silico analysis supports that this missense variant has a deleterious effect on protein structure/function; This variant is associated with the following publications: (PMID: 36964972)

Molecular Genetics Laboratory, BC Children's and BC Women's Hospitals
Classification: Uncertain significance for DPAGT1-congenital disorder of glycosylation. Last evaluated: 2024-06-26. Review status: no assertion criteria provided. Criteria: ACMG Guidelines, 2015. Collection method: clinical testing. Allele origin: biparental. Affected: yes. Not counted in ClinVar's aggregate classification.